The following is an entry in ClinVar:

ClinVar aggregate classification (germline): Pathogenic. Review status: criteria provided, multiple submitters, no conflicts (2 of 4 stars). 2 submissions from 2 submitters: Pathogenic (2). Last evaluated 2025-09-01.

Conditions:
Myoclonic dystonia 11 (DYT11). Also called: SGCE Myoclonus-Dystonia; Myoclonus-Dystonia; Myoclonic dystonia; Dystonia 11; Dystonia, alcohol responsive; Hereditary essential myoclonus. Identifiers: Orphanet 36899, MedGen C1834570, MONDO:0008044, OMIM 159900.

Submissions (2):

CeGaT Center for Human Genetics Tuebingen
Classification: Pathogenic. Last evaluated: 2025-09-01. Review status: criteria provided, single submitter. Criteria: CeGaT Center For Human Genetics Tuebingen Variant Classification Criteria Version 2. Collection method: clinical testing. Allele origin: germline. Affected: yes. Observed: 1 variant allele.
Comment: SGCE: PVS1, PM2, PS4:Supporting

Institute of Human Genetics Munich, TUM University Hospital
Classification: Pathogenic for Myoclonic dystonia 11. Last evaluated: 2020-01-23. Review status: criteria provided, single submitter. Criteria: Classification criteria August 2017. Collection method: clinical testing. Allele origin: germline. Inheritance: Autosomal dominant inheritance. Affected: yes. Observed: 1 heterozygote.

NM_003919.3(SGCE):c.786del (p.Arg263fs)

Genes: CASD1 (CAS1 domain sialic acid O acetyltransferase 1; plus strand), SGCE (sarcoglycan epsilon; minus strand). Cytogenetic location: 7q21.3.
Variant type: Deletion.
Coding change: c.786del on transcript NM_003919.3 (MANE Select); coding-DNA position 786, one base deleted (T; older notation c.786delT).
Protein change: p.Arg263fs; shifts the reading frame from arginine 263.
Molecular consequence: frameshift variant.
Genome position (GRCh38, 1-based): chr7:94,603,329, A deleted on the plus strand (T on the coding strand, the reverse complement: SGCE is on the minus strand); the first of 3 consecutive A bases (chr7:94,603,329-94,603,331); deleting any one gives the same sequence. VCF-style (leftmost placement, unchanged base first): chr7-94603328-GA-G. GRCh37 (hg19) VCF-style: chr7-94232640-GA-G.
Other names: c.786del, p.Arg263fs (NM_001099400.2, NM_001099401.2, NM_001346717.2); c.663del, p.Arg222fs (NM_001301139.2, NM_001362809.2); c.894del, p.Arg299fs (NM_001346713.2, NM_001346715.2); c.699del, p.Arg234fs (NM_001346719.2, NM_001362807.2); c.513del, p.Arg172fs (NM_001346720.2, NM_001362808.2); short protein forms R222fs, R299fs, R263fs, R172fs, R234fs.
Identifiers: ClinVar variation 813325 (VCV000813325.10), dbSNP rs1584546238, ClinGen allele CA915945357.